The following is an entry in ClinVar:

NM_178138.6(LHX3):c.970C>T (p.Pro324Ser)

Gene: LHX3 (LIM homeobox 3; minus strand). Cytogenetic location: 9q34.3.
Variant type: single nucleotide variant.
Coding change: c.970C>T on transcript NM_178138.6 (MANE Select); coding-DNA position 970, C replaced by T.
Protein change: p.Pro324Ser; replaces proline 324 with serine.
Molecular consequence: missense variant.
Genome position (GRCh38, 1-based): chr9:136,197,549, G>A on the plus strand (C>T on the coding strand, the complement: LHX3 is on the minus strand). VCF-style: chr9-136197549-G-A. GRCh37 (hg19) VCF-style: chr9-139089395-G-A.
Other names: c.937C>T, p.Pro313Ser (NM_001363746.1); c.985C>T, p.Pro329Ser (NM_014564.5); short protein forms P313S, P329S, P324S.
Identifiers: ClinVar variation 2230340 (VCV002230340.2), dbSNP rs763696216, ClinGen allele CA5330280.

ClinVar aggregate classification (germline): Uncertain significance (1 of 4 stars; one submission).

Conditions:
Inborn genetic diseases. Identifiers: MedGen C0950123, MeSH D030342.

Allele frequency attached by ClinVar (database versions not stated): gnomAD exomes below 0.00001; gnomAD 0.00001.

Submission:

Ambry Genetics
Classification: Uncertain significance for Inborn genetic diseases. Last evaluated: 2021-04-20. Review status: criteria provided, single submitter. Criteria: Ambry Variant Classification Scheme 2023. Collection method: clinical testing. Allele origin: germline.
Comment: The c.985C>T (p.P329S) alteration is located in exon 6 (coding exon 6) of the LHX3 gene. This alteration results from a C to T substitution at nucleotide position 985, causing the proline (P) at amino acid position 329 to be replaced by a serine (S). The p.P329S alteration is predicted to be tolerated by in silico analysis. Based on insufficient or conflicting evidence, the clinical significance of this alteration remains unclear.